The following is an entry in ClinVar:

NM_001004127.3(ALG11):c.*515A>G

Genes: ALG11 (ALG11 alpha-1,2-mannosyltransferase; plus strand), UTP14C (UTP14C small subunit processome component; plus strand). Cytogenetic location: 13q14.3.
Variant type: single nucleotide variant.
Coding change: c.*515A>G on transcript NM_001004127.3 (MANE Select); 515 bases downstream of the stop codon, A replaced by G.
Molecular consequence: 3 prime UTR variant. On other transcripts: non-coding transcript variant (1), missense variant (1).
Genome position (GRCh38, 1-based): chr13:52,029,105, A>G. VCF-style: chr13-52029105-A-G. GRCh37 (hg19) VCF-style: chr13-52603241-A-G.
Other names: c.301A>G, p.Thr101Ala (NM_021645.6); short protein forms T101A.
Identifiers: ClinVar variation 312423 (VCV000312423.7), dbSNP rs3742290, ClinGen allele CA6990155.

ClinVar aggregate classification (germline): Benign. Review status: criteria provided, multiple submitters, no conflicts (2 of 4 stars). 3 submissions from 3 submitters: Benign (3). Last evaluated 2021-05-04.

Conditions:
ALG11-congenital disorder of glycosylation. Also called: CONGENITAL DISORDER OF GLYCOSYLATION, TYPE Ip; ALG11-CDG. Identifiers: Orphanet 280071, MedGen C3150913, MONDO:0013349, OMIM 613661.

Allele frequency attached by ClinVar (database versions not stated): 1000 Genomes Project 0.08007; 1000 Genomes Project 30x 0.08182; ESP Exome Variant Server 0.10003; gnomAD 0.10266 and 0.10387; TOPMed 0.10359; gnomAD exomes 0.11113 and 0.11691; ExAC 0.11199.
gnomAD v4.1: 186,462 of 1,614,132 alleles (12%); highest among the groups gnomAD compares: Middle Eastern, 16%; 11,325 homozygotes.

Submissions (3):

GeneDx
Classification: Benign. Last evaluated: 2021-05-04. Review status: criteria provided, single submitter. Criteria: GeneDx Variant Classification Process June 2021. Collection method: clinical testing. Allele origin: germline. Affected: yes.

Illumina Laboratory Services, Illumina
Classification: Benign for ALG11-congenital disorder of glycosylation. Last evaluated: 2018-01-13. Review status: criteria provided, single submitter. Criteria: ICSL Variant Classification Criteria 13 December 2019. Collection method: clinical testing. Allele origin: germline.
Comment: This variant was observed in the ICSL laboratory as part of a predisposition screen in an ostensibly healthy population. It had not been previously curated by ICSL or reported in the Human Gene Mutation Database (HGMD: prior to June 1st, 2018), and was therefore a candidate for classification through an automated scoring system. Utilizing variant allele frequency, disease prevalence and penetrance estimates, and inheritance mode, an automated score was calculated to assess if this variant is too frequent to cause the disease. Based on the score and internal cut-off values, a variant classified as benign is not then subjected to further curation. The score for this variant resulted in a classification of benign for this disease.

Breakthrough Genomics
Classification: Benign. Review status: criteria provided, single submitter. Criteria: ACMG Guidelines, 2015. Collection method: not provided. Allele origin: germline. Inheritance: Autosomal recessive inheritance. Affected: yes.